The following is an entry in ClinVar:

NM_022893.4(BCL11A):c.1533G>A (p.Val511=)

Gene: BCL11A (BCL11 transcription factor A; minus strand). Cytogenetic location: 2p16.1.
Variant type: single nucleotide variant.
Coding change: c.1533G>A on transcript NM_022893.4 (MANE Select); coding-DNA position 1533, G replaced by A.
Protein change: p.Val511=; no amino-acid change (valine 511 retained).
Molecular consequence: synonymous variant. On other transcripts: intron variant (6).
Genome position (GRCh38, 1-based): chr2:60,461,379, C>T on the plus strand (G>A on the coding strand, the complement: BCL11A is on the minus strand). VCF-style: chr2-60461379-C-T. GRCh37 (hg19) VCF-style: chr2-60688514-C-T.
Other names: c.1431G>A, p.Val477= (NM_001363864.1, NM_001365609.1, NM_001405711.1 and 2 more transcripts); c.1533G>A, p.Val511= (NM_001405708.1, NM_001405709.1, NM_001405710.1 and 1 more transcripts); c.1377G>A, p.Val459= (NM_001405713.1, NM_001405714.1, NM_001405715.1 and 3 more transcripts); c.1275G>A, p.Val425= (NM_001405717.1, NM_001405718.1, NM_001405724.1); c.1200G>A, p.Val400= (NM_001405720.1, NM_001405721.1); c.1077G>A, p.Val359= (NM_001405725.1, NM_001405726.1, NM_001405727.1 and 1 more transcripts); c.840G>A, p.Val280= (NM_001405729.1); c.996G>A, p.Val332= (NM_001405730.1); and 5 more.
Identifiers: ClinVar variation 3063676 (VCV003063676.1), dbSNP rs1436931849, ClinGen allele CA426417267.

ClinVar aggregate classification (germline): Uncertain significance (1 of 4 stars; one submission).

Allele frequency attached by ClinVar (database versions not stated): gnomAD 0.00001; TOPMed 0.00001.

Submission:

Women's Health and Genetics/Laboratory Corporation of America, LabCorp
Classification: Uncertain significance. Last evaluated: 2024-01-25. Review status: criteria provided, single submitter. Criteria: LabCorp Variant Classification Summary - May 2015. Collection method: clinical testing. Allele origin: germline.
Comment: Variant summary: BCL11A c.1533G>A alters a non-conserved nucleotide resulting in a synonymous change. Several computational tools predict a significant impact on normal splicing: Two predict the variant strengthens a cryptic 5' donor site. However, these predictions have yet to be confirmed by functional studies. The variant allele was found at a frequency of 4.3e-06 in 234612 control chromosomes. The available data on variant occurrences in the general population are insufficient to allow any conclusion about variant significance. To our knowledge, no occurrence of c.1533G>A in individuals affected with Intellectual Developmental Disorder With Persistence Of Fetal Hemoglobin and no experimental evidence demonstrating its impact on protein function have been reported. No submitters have cited clinical-significance assessments for this variant to ClinVar. Based on the evidence outlined above, the variant was classified as uncertain significance.